The following is an entry in ClinVar:

ClinVar aggregate classification (germline): Likely pathogenic (1 of 4 stars; one submission).

Conditions:
Dilated cardiomyopathy 1G (CMD1G). Identifiers: Orphanet 154, MedGen C1858763, MONDO:0011400, OMIM 604145.
Autosomal recessive limb-girdle muscular dystrophy type 2J (LGMDR10). Also called: Limb-girdle muscular dystrophy, type 2J; MUSCULAR DYSTROPHY, LIMB-GIRDLE, AUTOSOMAL RECESSIVE 10. Identifiers: Orphanet 140922, MedGen C1837342, MONDO:0012127, OMIM 608807.

Submission:

Labcorp Genetics (formerly Invitae), Labcorp
Classification: Likely pathogenic for Dilated cardiomyopathy 1G; Autosomal recessive limb-girdle muscular dystrophy type 2J. Last evaluated: 2025-02-06. Review status: criteria provided, single submitter. Criteria: Invitae Variant Classification Sherloc (09022015). Collection method: clinical testing. Allele origin: germline.
Comment: This sequence change creates a premature translational stop signal (p.Asn5019Lysfs*26) in the TTN gene. While this is not anticipated to result in nonsense mediated decay, it is expected to create a truncated TTN protein. This variant is not present in population databases (gnomAD no frequency). This variant has not been reported in the literature in individuals affected with TTN-related conditions. This variant is located in the I band of TTN (PMID: 25589632). Truncating variants in this region have been reported in individuals affected with autosomal recessive centronuclear myopathy (PMID: 23975875, internal data). Truncating variants in this region have also been identified in individuals affected with autosomal dominant dilated cardiomyopathy and/or cardio-related conditions (PMID: 27869827, 32964742, internal data). In summary, the currently available evidence indicates that the variant is pathogenic, but additional data are needed to prove that conclusively. Therefore, this variant has been classified as Likely Pathogenic.

Literature cited by the submitters: PubMed 25589632; PubMed 23975875; PubMed 27869827; PubMed 32964742.

NM_001267550.2(TTN):c.15057del (p.Asn5019fs)

Gene: TTN (titin; minus strand). Cytogenetic location: 2q31.2.
Variant type: Deletion.
Coding change: c.15057del on transcript NM_001267550.2 (MANE Select); coding-DNA position 15057, one base deleted (C; older notation c.15057delC).
Protein change: p.Asn5019fs; shifts the reading frame from asparagine 5019.
Molecular consequence: frameshift variant. On other transcripts: intron variant (3).
Genome position (GRCh38, 1-based): chr2:178,734,867, G deleted on the plus strand (C on the coding strand, the reverse complement: TTN is on the minus strand). VCF-style (leftmost placement, unchanged base first): chr2-178734866-TG-T. GRCh37 (hg19) VCF-style: chr2-179599593-TG-T.
Other names: c.14106del, p.Asn4702fs (NM_001256850.1); c.11325del, p.Asn3775fs (NM_133378.4); c.13282+3215del (NM_003319.4); c.13858+3215del (NM_133437.4); c.13657+3215del (NM_133432.3); short protein forms N5019fs, N3775fs, N4702fs.
Identifiers: ClinVar variation 4784036 (VCV004784036.1).